The following is an entry in ClinVar:

NM_000179.3(MSH6):c.3447A>G (p.Leu1149=)

Gene: MSH6 (mutS homolog 6; plus strand). Cytogenetic location: 2p16.3.
Variant type: single nucleotide variant.
Coding change: c.3447A>G on transcript NM_000179.3 (MANE Select); coding-DNA position 3447, A replaced by G.
Protein change: p.Leu1149=; no amino-acid change (leucine 1149 retained).
Molecular consequence: synonymous variant. On other transcripts: non-coding transcript variant (4).
Genome position (GRCh38, 1-based): chr2:47,804,918, A>G. VCF-style: chr2-47804918-A-G. GRCh37 (hg19) VCF-style: chr2-48032057-A-G.
Other names: c.3057A>G, p.Leu1019= (NM_001281492.2); c.2541A>G, p.Leu847= (NM_001281493.2, NM_001281494.2, NM_001406811.1 and 6 more transcripts); c.3543A>G, p.Leu1181= (NM_001406795.1, NM_001406802.1); c.3447A>G, p.Leu1149= (NM_001406796.1, NM_001406800.1, NM_001406808.1 and 1 more transcripts); c.3150A>G, p.Leu1050= (NM_001406797.1, NM_001406801.1, NM_001406805.1 and 10 more transcripts); c.3273A>G, p.Leu1091= (NM_001406798.1); c.2922A>G, p.Leu974= (NM_001406799.1, NM_001406806.1, NM_001406807.1); c.2583A>G, p.Leu861= (NM_001406803.1); and 7 more.
Identifiers: ClinVar variation 3074989 (VCV003074989.2), dbSNP rs876660151, ClinGen allele CA425997196.

ClinVar aggregate classification (germline): Benign/Likely benign. Review status: criteria provided, multiple submitters, no conflicts (2 of 4 stars). 2 submissions from 2 submitters: Benign (1); Likely benign (1). Last evaluated 2025-01-07.

Conditions:
Lynch syndrome 5 (LYNCH5). Also called: Colorectal cancer, hereditary nonpolyposis, type 5; Hereditary non-polyposis colorectal cancer, type 5. Identifiers: Orphanet 144, MedGen C1833477, MONDO:0013710, OMIM 614350. Disease mechanism: loss of function.
Lynch syndrome. Identifiers: Orphanet 144, MedGen C4552100, MONDO:0005835. Disease mechanism: loss of function.

Submissions (2):

Myriad Genetics, Inc.
Classification: Benign for Lynch syndrome 5. Last evaluated: 2025-01-07. Review status: criteria provided, single submitter. Criteria: Myriad Autosomal Dominant, Autosomal Recessive and X-Linked Classification Criteria (2023). Collection method: clinical testing. Allele origin: unknown.
Comment: This variant is considered benign. This variant is a silent/synonymous amino acid change and it is not expected to impact splicing.

All of Us Research Program, National Institutes of Health
Classification: Likely benign for Lynch syndrome. Last evaluated: 2023-12-13. Review status: criteria provided, single submitter. Criteria: ACMG Guidelines, 2015. Collection method: clinical testing. Allele origin: germline. Inheritance: Autosomal dominant inheritance. Observed: 1 variant allele, 1 heterozygote.
Comment: This study involves interpretation of variants in research participants for the purpose of population health screening. Participant phenotype was not available at the time of variant classification. Additional details can be found in publication PMID: 35346344, PMCID: PMC8962531